The following is an entry in ClinVar:

NM_032638.5(GATA2):c.1414C>T (p.Pro472Ser)

Gene: GATA2 (GATA binding protein 2; minus strand). Cytogenetic location: 3q21.3.
Variant type: single nucleotide variant.
Coding change: c.1414C>T on transcript NM_032638.5 (MANE Select); coding-DNA position 1414, C replaced by T.
Protein change: p.Pro472Ser; replaces proline 472 with serine.
Molecular consequence: missense variant.
Genome position (GRCh38, 1-based): chr3:128,481,048, G>A on the plus strand (C>T on the coding strand, the complement: GATA2 is on the minus strand). VCF-style: chr3-128481048-G-A. GRCh37 (hg19) VCF-style: chr3-128199891-G-A.
Other names: c.1414C>T, p.Pro472Ser (NM_001145661.2); c.1372C>T, p.Pro458Ser (NM_001145662.1); short protein forms P458S, P472S.
Identifiers: ClinVar variation 3367264 (VCV003367264.2).

ClinVar aggregate classification (germline): Uncertain significance. Review status: criteria provided, multiple submitters, no conflicts (2 of 4 stars). 2 submissions from 2 submitters: Uncertain significance (2). Last evaluated 2025-12-01.

Conditions:
Monocytopenia with susceptibility to infections. Also called: MONOCYTOPENIA AND MYCOBACTERIAL INFECTION SYNDROME; MONOCYTOPENIA WITH SUSCEPTIBILITY TO MYCOBACTERIAL, FUNGAL, AND PAPILLOMAVIRUS INFECTIONS AND MYELODYSPLASIA; COMBINED IMMUNODEFICIENCY WITH SUSCEPTIBILITY TO MYCOBACTERIAL, VIRAL, AND FUNGAL INFECTIONS; Dendritic cell, monocyte, B lymphocyte, and natural killer lymphocyte deficiency; IMMUNODEFICIENCY 21; GATA2 DEFICIENCY. Identifiers: Orphanet 228423, MedGen C3280030, MONDO:0013607, OMIM 614172.
Deafness-lymphedema-leukemia syndrome. Also called: Lymphedema, primary, with myelodysplasia; Emberger syndrome. Identifiers: Orphanet 3226, MedGen C3279664, MONDO:0013540, OMIM 614038.

Submissions (2):

Labcorp Genetics (formerly Invitae), Labcorp
Classification: Uncertain significance for Monocytopenia with susceptibility to infections; Deafness-lymphedema-leukemia syndrome. Last evaluated: 2025-12-01. Review status: criteria provided, single submitter. Criteria: Invitae Variant Classification Sherloc (09022015). Collection method: clinical testing. Allele origin: germline.
Comment: This sequence change replaces proline, which is neutral and non-polar, with serine, which is neutral and polar, at codon 472 of the GATA2 protein (p.Pro472Ser). This variant is not present in population databases (gnomAD no frequency). This variant has not been reported in the literature in individuals affected with GATA2-related conditions. ClinVar contains an entry for this variant (Variation ID: 3367264). Invitae Evidence Modeling of protein sequence and biophysical properties (such as structural, functional, and spatial information, amino acid conservation, physicochemical variation, residue mobility, and thermodynamic stability) has been performed for this missense variant. However, the output from this modeling did not meet the statistical confidence thresholds required to predict the impact of this variant on GATA2 protein function. In summary, the available evidence is currently insufficient to determine the role of this variant in disease. Therefore, it has been classified as a Variant of Uncertain Significance.

GeneDx
Classification: Uncertain significance. Last evaluated: 2023-12-27. Review status: criteria provided, single submitter. Criteria: GeneDx Variant Classification Process June 2021. Collection method: clinical testing. Allele origin: germline. Affected: yes.
Comment: Not observed at significant frequency in large population cohorts (gnomAD); In silico analysis supports that this missense variant does not alter protein structure/function; Has not been previously published as pathogenic or benign to our knowledge